The following is an entry in ClinVar:

NM_001868.4(CPA1):c.731C>T (p.Ala244Val)

Gene: CPA1 (carboxypeptidase A1; plus strand). Cytogenetic location: 7q32.2.
Variant type: single nucleotide variant.
Coding change: c.731C>T on transcript NM_001868.4 (MANE Select); coding-DNA position 731, C replaced by T.
Protein change: p.Ala244Val; replaces alanine 244 with valine.
Molecular consequence: missense variant.
Genome position (GRCh38, 1-based): chr7:130,384,570, C>T. VCF-style: chr7-130384570-C-T. GRCh37 (hg19) VCF-style: chr7-130024411-C-T.
Other names: short protein forms A244V.
Identifiers: ClinVar variation 1758299 (VCV001758299.2), dbSNP rs1165879584, ClinGen allele CA369282952.

ClinVar aggregate classification (germline): Uncertain significance (1 of 4 stars; one submission).

Conditions:
Hereditary pancreatitis (PCTT). Also called: Hereditary chronic pancreatitis; PRSS1-Related Hereditary Pancreatitis. Identifiers: Orphanet 676, MedGen C0238339, MONDO:0008185, OMIM 167800.

Allele frequency attached by ClinVar (database versions not stated): gnomAD exomes below 0.00001; TOPMed below 0.00001; gnomAD 0.00001.
gnomAD v4.1: 9 of 1,614,122 alleles (0.00056%); highest among the groups gnomAD compares: African/African-American, 0.0067%; no homozygotes.

Submission:

Ambry Genetics
Classification: Uncertain significance for Hereditary pancreatitis. Last evaluated: 2024-02-22. Review status: criteria provided, single submitter. Criteria: Ambry Variant Classification Scheme 2023. Collection method: clinical testing. Allele origin: germline.
Comment: The p.A244V variant (also known as c.731C>T), located in coding exon 7 of the CPA1 gene, results from a C to T substitution at nucleotide position 731. The alanine at codon 244 is replaced by valine, an amino acid with similar properties. This amino acid position is not well conserved in available vertebrate species. In addition, this alteration is predicted to be tolerated by in silico analysis. Since supporting evidence is limited at this time, the clinical significance of this alteration remains unclear.